The following is an entry in ClinVar:

ClinVar aggregate classification (germline): Uncertain significance. Review status: criteria provided, multiple submitters, no conflicts (2 of 4 stars). 2 submissions from 2 submitters: Uncertain significance (2). Last evaluated 2022-12-23.

Conditions:
Complement component 6 deficiency (C6D). Also called: C6 DEFICIENCY. Identifiers: MedGen C2676232, MONDO:0012908, OMIM 612446.

Allele frequency attached by ClinVar (database versions not stated): ESP Exome Variant Server 0.00008; TOPMed 0.00012.
gnomAD v4.1: 66 of 1,613,616 alleles (0.0041%); highest among the groups gnomAD compares: Admixed American, 0.055%; no homozygotes.

Submissions (2):

Genetics and Molecular Pathology, SA Pathology
Classification: Uncertain significance for Complement component 6 deficiency. Last evaluated: 2022-12-23. Review status: criteria provided, single submitter. Criteria: ACMG Guidelines, 2015. Collection method: clinical testing. Allele origin: germline. Inheritance: Autosomal recessive inheritance. Affected: yes.

Labcorp Genetics (formerly Invitae), Labcorp
Classification: Uncertain significance. Last evaluated: 2022-07-21. Review status: criteria provided, single submitter. Criteria: Invitae Variant Classification Sherloc (09022015). Collection method: clinical testing. Allele origin: germline.
Comment: This sequence change replaces arginine, which is basic and polar, with tryptophan, which is neutral and slightly polar, at codon 701 of the C6 protein (p.Arg701Trp). This variant is present in population databases (rs199930769, gnomAD 0.06%). This variant has not been reported in the literature in individuals affected with C6-related conditions. ClinVar contains an entry for this variant (Variation ID: 1382094). Algorithms developed to predict the effect of missense changes on protein structure and function are either unavailable or do not agree on the potential impact of this missense change (SIFT: "Deleterious"; PolyPhen-2: "Benign"; Align-GVGD: "Class C0"). Algorithms developed to predict the effect of sequence changes on RNA splicing suggest that this variant may disrupt the consensus splice site. In summary, the available evidence is currently insufficient to determine the role of this variant in disease. Therefore, it has been classified as a Variant of Uncertain Significance.

NM_000065.5(C6):c.2101C>T (p.Arg701Trp)

Gene: C6 (complement C6; minus strand). Cytogenetic location: 5p13.1.
Variant type: single nucleotide variant.
Coding change: c.2101C>T on transcript NM_000065.5 (MANE Select); coding-DNA position 2101, C replaced by T.
Protein change: p.Arg701Trp; replaces arginine 701 with tryptophan.
Molecular consequence: missense variant.
Genome position (GRCh38, 1-based): chr5:41,154,972, G>A on the plus strand (C>T on the coding strand, the complement: C6 is on the minus strand). VCF-style: chr5-41154972-G-A. GRCh37 (hg19) VCF-style: chr5-41155074-G-A.
Other names: c.2101C>T, p.Arg701Trp (NM_001115131.4); short protein forms R701W.
Identifiers: ClinVar variation 1382094 (VCV001382094.3), dbSNP rs199930769, ClinGen allele CA3252219.